The following is an entry in ClinVar:

ClinVar aggregate classification (germline): Uncertain significance (1 of 4 stars; one submission).

Conditions:
NRP1-related disorder. Also called: NRP1-related condition.

gnomAD v4.1: 7 of 1,614,156 alleles (0.00043%); highest among the groups gnomAD compares: Non-Finnish European, 0.00059%; no homozygotes.

Submission:

PreventionGenetics, part of Exact Sciences
Classification: Uncertain significance for NRP1-related condition. Last evaluated: 2024-12-26. Review status: criteria provided, single submitter. Criteria: ACMG Guidelines, 2015. Collection method: clinical testing. Allele origin: germline.
Comment: The NRP1 c.604G>C variant is predicted to result in the amino acid substitution p.Gly202Arg. To our knowledge, this variant has not been reported in the literature. This variant is reported in 0.00088% of alleles in individuals of European (Non-Finnish) descent in gnomAD. At this time, the clinical significance of this variant is uncertain due to the absence of conclusive functional and genetic evidence.

NM_003873.7(NRP1):c.604G>C (p.Gly202Arg)

Gene: NRP1 (neuropilin 1; minus strand). Cytogenetic location: 10p11.22.
Variant type: single nucleotide variant.
Coding change: c.604G>C on transcript NM_003873.7 (MANE Select); coding-DNA position 604, G replaced by C.
Protein change: p.Gly202Arg; replaces glycine 202 with arginine.
Molecular consequence: missense variant. On other transcripts: non-coding transcript variant (1).
Genome position (GRCh38, 1-based): chr10:33,263,700, C>G on the plus strand (G>C on the coding strand, the complement: NRP1 is on the minus strand). VCF-style: chr10-33263700-C-G. GRCh37 (hg19) VCF-style: chr10-33552628-C-G.
Other names: c.604G>C, p.Gly202Arg (NM_001024628.3, NM_001024629.3, NM_001244972.2 and 2 more transcripts); short protein forms G202R.
Identifiers: ClinVar variation 4997407 (VCV004997407.1).